The following is an entry in ClinVar:

NM_001282234.1(PSMA6):c.13C>T (p.Arg5Trp)

Genes: PRORP-PSMA6 (PRORP-PSMA6 readthrough; plus strand), PSMA6 (proteasome 20S subunit alpha 6; plus strand). Cytogenetic location: 14q13.2.
Variant type: single nucleotide variant.
Coding change: c.13C>T on transcript NM_001282234.1; coding-DNA position 13, C replaced by T.
Protein change: p.Arg5Trp; replaces arginine 5 with tryptophan.
Molecular consequence: missense variant. On other transcripts: non-coding transcript variant (4).
Genome position (GRCh38, 1-based): chr14:35,278,712, C>T. VCF-style: chr14-35278712-C-T. GRCh37 (hg19) VCF-style: chr14-35747918-C-T.
Other names: short protein forms R5W.
Identifiers: ClinVar variation 3060375 (VCV003060375.2), dbSNP rs17103147, ClinGen allele CA7155019.

ClinVar aggregate classification (germline): Benign (0 of 4 stars; one submission).

Conditions:
PSMA6-related disorder. Also called: PSMA6-related condition.

Allele frequency attached by ClinVar (database versions not stated): gnomAD 0.14643; ExAC 0.08267; 1000 Genomes Project 0.17792; 1000 Genomes Project 30x 0.18535; TOPMed 0.16972.

Submission:

PreventionGenetics, part of Exact Sciences
Classification: Benign for PSMA6-related condition. Last evaluated: 2019-11-04. Review status: no assertion criteria provided. Collection method: clinical testing. Allele origin: germline.
Comment: This variant is classified as benign based on ACMG/AMP sequence variant interpretation guidelines (Richards et al. 2015 PMID: 25741868, with internal and published modifications).